The following is an entry in ClinVar:

NM_144687.4(NLRP12):c.482T>C (p.Leu161Pro)

Gene: NLRP12 (NLR family pyrin domain containing 12; minus strand). Cytogenetic location: 19q13.42.
Variant type: single nucleotide variant.
Coding change: c.482T>C on transcript NM_144687.4 (MANE Select); coding-DNA position 482, T replaced by C.
Protein change: p.Leu161Pro; replaces leucine 161 with proline.
Molecular consequence: missense variant.
Genome position (GRCh38, 1-based): chr19:53,811,177, A>G on the plus strand (T>C on the coding strand, the complement: NLRP12 is on the minus strand). VCF-style: chr19-53811177-A-G. GRCh37 (hg19) VCF-style: chr19-54314431-A-G.
Other names: c.482T>C, p.Leu161Pro (NM_001277126.2, NM_001277129.1); short protein forms L161P.
Identifiers: ClinVar variation 4777890 (VCV004777890.1).
Genomic context (GRCh38, chr19:53,811,177, plus strand): 5'-CGGCCTGTGTCCAGAAGCTGCTGCTGGACCTGCATGGGGTTTGAGTGCTCCTTCACCAGC[A>G]GGAGCCGGGTGTACCGGTGGCTGAGGTTGACACATTCCCCTAGGCGCGCATTGCGGTCTT-3'
Protein context (NP_653288.1, residues 151-171): VNLSHRYTRL[Leu161Pro]LVKEHSNPMQ

ClinVar aggregate classification (germline): Uncertain significance (1 of 4 stars; one submission).

Conditions:
Familial cold autoinflammatory syndrome 2 (FCAS2). Identifiers: Orphanet 247868, MedGen C2673198, MONDO:0012724, OMIM 611762.

Submission:

Labcorp Genetics (formerly Invitae), Labcorp
Classification: Uncertain significance for Familial cold autoinflammatory syndrome 2. Last evaluated: 2026-01-21. Review status: criteria provided, single submitter. Criteria: Invitae Variant Classification Sherloc (09022015). Collection method: clinical testing. Allele origin: germline.
Comment: This sequence change replaces leucine, which is neutral and non-polar, with proline, which is neutral and non-polar, at codon 161 of the NLRP12 protein (p.Leu161Pro). This variant is not present in population databases (gnomAD no frequency). This variant has not been reported in the literature in individuals affected with NLRP12-related conditions. An algorithm developed to predict the effect of missense changes on protein structure and function (PolyPhen-2) suggests that this variant is likely to be disruptive. In summary, the available evidence is currently insufficient to determine the role of this variant in disease. Therefore, it has been classified as a Variant of Uncertain Significance.